The following is an entry in ClinVar:

ClinVar aggregate classification (germline): Likely benign (0 of 4 stars; one submission).

Conditions:
CCDC18-related disorder. Also called: CCDC18-related condition.

Allele frequency attached by ClinVar (database versions not stated): gnomAD exomes 0.00006; ExAC 0.00012; gnomAD 0.00015; 1000 Genomes Project 30x 0.00016; 1000 Genomes Project 0.00020; TOPMed 0.00022; ESP Exome Variant Server 0.00034.
gnomAD v4.1: 109 of 1,597,148 alleles (0.0068%); highest among the groups gnomAD compares: African/African-American, 0.045%; no homozygotes.

Submission:

PreventionGenetics, part of Exact Sciences
Classification: Likely benign for CCDC18-related condition. Last evaluated: 2019-03-18. Review status: no assertion criteria provided. Collection method: clinical testing. Allele origin: germline.
Comment: This variant is classified as likely benign based on ACMG/AMP sequence variant interpretation guidelines (Richards et al. 2015 PMID: 25741868, with internal and published modifications).

NM_001378204.1(CCDC18):c.2085G>A (p.Thr695=)

Gene: CCDC18 (coiled-coil domain containing 18; plus strand). Cytogenetic location: 1p22.1.
Variant type: single nucleotide variant.
Coding change: c.2085G>A on transcript NM_001378204.1 (MANE Select); coding-DNA position 2085, G replaced by A.
Protein change: p.Thr695=; no amino-acid change (threonine 695 retained).
Molecular consequence: synonymous variant.
Genome position (GRCh38, 1-based): chr1:93,221,731, G>A. VCF-style: chr1-93221731-G-A. GRCh37 (hg19) VCF-style: chr1-93687288-G-A.
Other names: c.2082G>A, p.Thr694= (NM_001306076.1); c.2085G>A, p.Thr695= (NM_206886.4).
Identifiers: ClinVar variation 3057900 (VCV003057900.2), dbSNP rs138388409, ClinGen allele CA954172.